The following is an entry in ClinVar:

ClinVar aggregate classification (germline): Uncertain significance (1 of 4 stars; one submission).

Conditions:
Hereditary spastic paraplegia 8 (SPG8). Also called: SPASTIC PARAPLEGIA 8, AUTOSOMAL DOMINANT. Identifiers: Orphanet 100989, MedGen C1863704, MONDO:0011339, OMIM 603563.
Ritscher-Schinzel syndrome. Also called: CRANIOCEREBELLOCARDIAC DYSPLASIA. Identifiers: Orphanet 7, MedGen C0796137, MONDO:0019078.

Submission:

Labcorp Genetics (formerly Invitae), Labcorp
Classification: Uncertain significance for Ritscher-Schinzel syndrome; Hereditary spastic paraplegia 8. Last evaluated: 2020-02-05. Review status: criteria provided, single submitter. Criteria: Invitae Variant Classification Sherloc (09022015). Collection method: clinical testing. Allele origin: germline.
Comment: This variant has not been reported in the literature in individuals with WASHC5-related conditions. This variant is not present in population databases (ExAC no frequency). This sequence change replaces methionine with leucine at codon 294 of the WASHC5 protein (p.Met294Leu). The methionine residue is moderately conserved and there is a small physicochemical difference between methionine and leucine. In summary, the available evidence is currently insufficient to determine the role of this variant in disease. Therefore, it has been classified as a Variant of Uncertain Significance. Algorithms developed to predict the effect of missense changes on protein structure and function are either unavailable or do not agree on the potential impact of this missense change (SIFT: "Tolerated"; PolyPhen-2: "Probably Damaging"; Align-GVGD: "Class C0").

NM_014846.4(WASHC5):c.880A>C (p.Met294Leu)

Gene: WASHC5 (WASH complex subunit 5; minus strand). Cytogenetic location: 8q24.13.
Variant type: single nucleotide variant.
Coding change: c.880A>C on transcript NM_014846.4 (MANE Select); coding-DNA position 880, A replaced by C.
Protein change: p.Met294Leu; replaces methionine 294 with leucine.
Molecular consequence: missense variant.
Genome position (GRCh38, 1-based): chr8:125,075,096, T>G on the plus strand (A>C on the coding strand, the complement: WASHC5 is on the minus strand). VCF-style: chr8-125075096-T-G. GRCh37 (hg19) VCF-style: chr8-126087338-T-G.
Other names: c.436A>C, p.Met146Leu (NM_001330609.2); short protein forms M146L, M294L.
Identifiers: ClinVar variation 1008686 (VCV001008686.8), dbSNP rs755946575, ClinGen allele CA372195057.